The following is an entry in ClinVar:

ClinVar aggregate classification (germline): Likely benign (0 of 4 stars; one submission).

Conditions:
PHIP-related disorder. Also called: PHIP-related condition; PHIP-related disorders.

Allele frequency attached by ClinVar (database versions not stated): gnomAD exomes below 0.00001; TOPMed 0.00001.
gnomAD v4.1: 6 of 1,569,148 alleles (0.00038%); highest among the groups gnomAD compares: Non-Finnish European, 0.00053%; no homozygotes.

Submission:

PreventionGenetics, part of Exact Sciences
Classification: Likely benign for PHIP-related condition. Last evaluated: 2024-02-27. Review status: no assertion criteria provided. Collection method: clinical testing. Allele origin: germline.
Comment: This variant is classified as likely benign based on ACMG/AMP sequence variant interpretation guidelines (Richards et al. 2015 PMID: 25741868, with internal and published modifications).

NM_017934.7(PHIP):c.995-10T>C

Gene: PHIP (PHIP subunit of CUL4-Ring ligase complex; minus strand). Cytogenetic location: 6q14.1.
Variant type: single nucleotide variant.
Coding change: c.995-10T>C on transcript NM_017934.7 (MANE Select); 10 bases into the intron before coding-DNA position 995, T replaced by C.
Molecular consequence: intron variant.
Genome position (GRCh38, 1-based): chr6:79,017,593, A>G on the plus strand (T>C on the coding strand, the complement: PHIP is on the minus strand). VCF-style: chr6-79017593-A-G. GRCh37 (hg19) VCF-style: chr6-79727310-A-G.
Identifiers: ClinVar variation 3030157 (VCV003030157.2), dbSNP rs1770893379, ClinGen allele CA1640407587.
Genomic context (GRCh38, chr6:79,017,593, plus strand): 5'-AATAAACCCGAATAATATGATCTGTGCTTCCCGTCGCCAGAAACATTCCACCTATGAAGA[A>G]TAACAGCAATTGTTAAGAAGTAAAACATAACTTCAAAATCTCTGAAAATTAGATAATAAA-3'